The following is an entry in ClinVar:

NM_001376.5(DYNC1H1):c.3819A>G (p.Pro1273=)

Gene: DYNC1H1 (dynein cytoplasmic 1 heavy chain 1; plus strand). Cytogenetic location: 14q32.31.
Variant type: single nucleotide variant.
Coding change: c.3819A>G on transcript NM_001376.5 (MANE Select); coding-DNA position 3819, A replaced by G.
Protein change: p.Pro1273=; no amino-acid change (proline 1273 retained).
Molecular consequence: synonymous variant.
Genome position (GRCh38, 1-based): chr14:102,000,003, A>G. VCF-style: chr14-102000003-A-G. GRCh37 (hg19) VCF-style: chr14-102466340-A-G.
Identifiers: ClinVar variation 668403 (VCV000668403.10), dbSNP rs996115621, ClinGen allele CA487968790.

ClinVar aggregate classification (germline): Likely benign. Review status: criteria provided, multiple submitters, no conflicts (2 of 4 stars). 3 submissions from 3 submitters: Likely benign (2). 1 of the submissions does not count toward it. Last evaluated 2025-09-15.

Conditions:
DYNC1H1-related disorder. Also called: DYNC1H1-related condition; DYNC1H1-related disorders. Identifiers: MedGen CN381529.
Charcot-Marie-Tooth disease axonal type 2O. Also called: CHARCOT-MARIE-TOOTH NEUROPATHY, AXONAL, TYPE 2O; CHARCOT-MARIE-TOOTH DISEASE, AXONAL, AUTOSOMAL DOMINANT, TYPE 2O; Charcot-Marie-Tooth Neuropathy Type 2O; Charcot-Marie-Tooth disease, axonal, type 20. Identifiers: Orphanet 284232, MedGen C3280220, MONDO:0013644, OMIM 614228.

Allele frequency attached by ClinVar (database versions not stated): gnomAD exomes below 0.00001.

Submissions (3):

Labcorp Genetics (formerly Invitae), Labcorp
Classification: Likely benign for Charcot-Marie-Tooth disease axonal type 2O. Last evaluated: 2025-09-15. Review status: criteria provided, single submitter. Criteria: Invitae Variant Classification Sherloc (09022015). Collection method: clinical testing. Allele origin: germline.

GeneDx
Classification: Likely benign. Last evaluated: 2018-05-23. Review status: criteria provided, single submitter. Criteria: GeneDx Variant Classification (06012015). Collection method: clinical testing. Allele origin: germline. Affected: yes.
Comment: This variant is considered likely benign or benign based on one or more of the following criteria: it is a conservative change, it occurs at a poorly conserved position in the protein, it is predicted to be benign by multiple in silico algorithms, and/or has population frequency not consistent with disease.

PreventionGenetics, part of Exact Sciences
Classification: Likely benign for DYNC1H1-related condition. Last evaluated: 2019-10-28. Review status: no assertion criteria provided. Collection method: clinical testing. Allele origin: germline. Not counted in ClinVar's aggregate classification.
Comment: This variant is classified as likely benign based on ACMG/AMP sequence variant interpretation guidelines (Richards et al. 2015 PMID: 25741868, with internal and published modifications).